The following is an entry in ClinVar:

ClinVar aggregate classification (germline): Conflicting classifications of pathogenicity. Review status: criteria provided, conflicting classifications (1 of 4 stars). 2 submissions from 2 submitters: Likely pathogenic (1); Uncertain significance (1). Last evaluated 2025-02-10.

Conditions:
Hereditary pheochromocytoma and paraganglioma. Also called: Hereditary Paraganglioma-Pheochromocytoma Syndromes; Hereditary paragangliomas and pheochromocytomas; Hereditary pheochromocytoma-paraganglioma. Identifiers: Orphanet 29072, MedGen C4274332, MONDO:0017366.
Hereditary cancer-predisposing syndrome. Also called: Neoplastic Syndromes, Hereditary; Hereditary Cancer Syndrome; Tumor predisposition; Hereditary neoplastic syndrome. Identifiers: Orphanet 140162, MedGen C0027672, MeSH D009386, MONDO:0015356.

Submissions (2):

Ambry Genetics
Classification: Likely pathogenic for Hereditary cancer-predisposing syndrome. Last evaluated: 2025-02-10. Review status: criteria provided, single submitter. Criteria: Ambry Variant Classification Scheme 2023. Collection method: clinical testing. Allele origin: germline.
Comment: The c.296-1G>A intronic variant results from a G to A substitution one nucleotide upstream from coding exon 5 of the MAX gene. This alteration occurs at the 3' terminus of the MAX gene, is not expected to trigger nonsense-mediated mRNA decay, and only impacts the last 38% of the protein. The exact functional effect of this alteration is unknown; however, a significant portion of the protein is affected and the region impacted is critical for protein function (Ambry internal data). This variant is considered to be rare based on population cohorts in the Genome Aggregation Database (gnomAD). This nucleotide position is highly conserved in available vertebrate species. In silico splice site analysis predicts that this alteration will weaken the native splice acceptor site and may result in the creation or strengthening of a novel splice acceptor site; however, direct evidence is insufficient at this time (Ambry internal data). Based on the majority of available evidence to date, this variant is likely to be pathogenic.

Labcorp Genetics (formerly Invitae), Labcorp
Classification: Uncertain significance for Hereditary pheochromocytoma and paraganglioma. Last evaluated: 2017-11-01. Review status: criteria provided, single submitter. Criteria: Invitae Variant Classification Sherloc (09022015). Collection method: clinical testing. Allele origin: germline.
Comment: This variant has not been reported in the literature in individuals with MAX-related disease. Experimental studies demonstrate that the C-terminal domain of the MAX protein is essential for protein localization to the nucleus and suppression of MYC transactivation activity (PMID: 1459463, 1730412, 7630640). While studies regarding the the effect of this particular variant have not been reported, loss of the C-terminal region of the MAX protein may be pathogenic. In summary, the available evidence is currently insufficient to determine the role of this variant in disease. Therefore, it has been classified as a Variant of Uncertain Significance. Nucleotide substitutions within the consensus splice site are a relatively common cause of aberrant splicing (PMID: 17576681, 9536098). Algorithms developed to predict the effect of sequence changes on RNA splicing suggest that this variant may disrupt the consensus splice site, but this prediction has not been confirmed by published transcriptional studies. This variant is not present in population databases (ExAC no frequency). This sequence change affects an acceptor splice site in the last intron (intron 4) of the MAX gene. While this is not anticipated to result in nonsense mediated decay, it likely alters RNA splicing and results in a disrupted protein product.

Literature cited by the submitters: PubMed 1459463 (cited by Labcorp Genetics (formerly Invitae), Labcorp); PubMed 1730412 (cited by Labcorp Genetics (formerly Invitae), Labcorp); PubMed 7630640 (cited by Labcorp Genetics (formerly Invitae), Labcorp); PubMed 17576681 (cited by Labcorp Genetics (formerly Invitae), Labcorp); PubMed 9536098 (cited by Labcorp Genetics (formerly Invitae), Labcorp).

NM_002382.5(MAX):c.296-1G>A

Gene: MAX (MYC associated transcriptional regulator X; minus strand). Cytogenetic location: 14q23.3.
Variant type: single nucleotide variant.
Coding change: c.296-1G>A on transcript NM_002382.5 (MANE Select); the canonical splice acceptor site of the intron before coding-DNA position 296, G replaced by A.
Molecular consequence: splice acceptor variant. On other transcripts: intron variant (2).
Genome position (GRCh38, 1-based): chr14:65,076,664, C>T on the plus strand (G>A on the coding strand, the complement: MAX is on the minus strand). VCF-style: chr14-65076664-C-T. GRCh37 (hg19) VCF-style: chr14-65543382-C-T.
Other names: c.296-1G>A (NM_002382.3, NM_001407094.1); c.144+17044G>A (NM_001271069.2); c.171+17044G>A (NM_197957.4); c.95-1G>A (NM_001407112.1, NM_001407111.1); c.107-1G>A (NM_001407106.1, NM_001407107.1, NM_001320415.2 and 1 more transcripts); c.269-1G>A (NM_001407095.1, NM_145112.3); c.*85-1G>A (NM_001407110.1, NM_001407101.1, NM_001407103.1 and 4 more transcripts); c.*69-1G>A (NM_001407102.1, NM_001407104.1, NM_001407108.1 and 2 more transcripts); and 1 more.
Identifiers: ClinVar variation 532509 (VCV000532509.10), dbSNP rs1555340265, ClinGen allele CA390032069.
Genomic context (GRCh38, chr14:65,076,664, plus strand): 5'-CTGAGGAGGGGTAGTTGGTCTGCAGTTGGGCACTTGACCTCGCCTTCTCCAGTGCACGGA[C>T]TAAAAGGCAACCAAGGGAGTGTGTTACTGCCTTCTGGAGACTTGGGGAGTAACCGAGTCT-3'